The following is an entry in ClinVar:

ClinVar aggregate classification (germline): Uncertain significance (1 of 4 stars; one submission).

Submission:

GeneDx
Classification: Uncertain significance. Last evaluated: 2020-01-27. Review status: criteria provided, single submitter. Criteria: GeneDx Variant Classification Process June 2021. Collection method: clinical testing. Allele origin: germline. Affected: yes.
Comment: Deletion including a canonical splice site predicted to result in an in-frame deletion of exon 31; Not observed in large population cohorts (Lek 2016); Has not been previously published as pathogenic or benign to our knowledge

NM_006231.4(POLE):c.3796-60_3798del

Gene: POLE (DNA polymerase epsilon, catalytic subunit; minus strand). Cytogenetic location: 12q24.33.
Variant type: Deletion.
Coding change: c.3796-60_3798del on transcript NM_006231.4 (MANE Select); 60 bases into the intron before coding-DNA position 3796 through coding-DNA position 3798, 63 bases deleted.
Molecular consequence: splice acceptor variant.
Genome position (GRCh38, 1-based): chr12:132,649,513-132,649,575, 63 bases deleted. GRCh37 (hg19): chr12:133,226,101-133,226,163.
Identifiers: ClinVar variation 1315074 (VCV001315074.2), dbSNP rs2138610473, ClinGen allele CA2573053631.